The following is an entry in ClinVar:

ClinVar aggregate classification (germline): Pathogenic (1 of 4 stars; one submission).

Conditions:
Alport syndrome. Also called: Hemorrhagic familial nephritis; Hemorrhagic hereditary nephritis; Congenital hereditary hematuria. Identifiers: Orphanet 63, MedGen C1567741, MONDO:0018965.

Submission:

Myriad Genetics, Inc.
Classification: Pathogenic for Alport syndrome. Last evaluated: 2025-05-03. Review status: criteria provided, single submitter. Criteria: Myriad Autosomal Dominant, Autosomal Recessive and X-Linked Classification Criteria (2023). Collection method: clinical testing. Allele origin: unknown.
Comment: NM_000091.4(COL4A3):c.3319_3320delGGinsC(G1107Qfs*47) is expected to be pathogenic in the context of Alport syndrome, COL4A3-related. This variant is predicted to lead to an abnormal or absent protein product due to the creation of a premature termination codon in COL4A3, a gene where loss-of-function variants are known to be pathogenic. Please note: this variant was assessed in the context of healthy population screening.

NM_000091.5(COL4A3):c.3319_3320delinsC (p.Gly1107fs)

Genes: COL4A3 (collagen type IV alpha 3 chain; plus strand), MFF-DT (MFF divergent transcript; minus strand). Cytogenetic location: 2q36.3.
Variant type: Indel.
Coding change: c.3319_3320delinsC on transcript NM_000091.5 (MANE Select); coding-DNA positions 3319 to 3320, GG replaced by C.
Protein change: p.Gly1107fs; shifts the reading frame from glycine 1107.
Molecular consequence: frameshift variant.
Genome position (GRCh38, 1-based): chr2:227,293,299-227,293,300, GG replaced by C. VCF-style: chr2-227293299-GG-C. GRCh37 (hg19) VCF-style: chr2-228158015-GG-C.
Other names: short protein forms G1107fs.
Identifiers: ClinVar variation 5014377 (VCV005014377.1).